The following is an entry in ClinVar:

ClinVar aggregate classification (germline): Uncertain significance (1 of 4 stars; one submission).

Submission:

Labcorp Genetics (formerly Invitae), Labcorp
Classification: Uncertain significance. Last evaluated: 2024-02-05. Review status: criteria provided, single submitter. Criteria: Invitae Variant Classification Sherloc (09022015). Collection method: clinical testing. Allele origin: germline.
Comment: This sequence change replaces tyrosine, which is neutral and polar, with phenylalanine, which is neutral and non-polar, at codon 237 of the CTNNA1 protein (p.Tyr237Phe). This variant is not present in population databases (gnomAD no frequency). This variant has not been reported in the literature in individuals affected with CTNNA1-related conditions. Advanced modeling of protein sequence and biophysical properties (such as structural, functional, and spatial information, amino acid conservation, physicochemical variation, residue mobility, and thermodynamic stability) has been performed at Invitae for this missense variant, however the output from this modeling did not meet the statistical confidence thresholds required to predict the impact of this variant on CTNNA1 protein function. In summary, the available evidence is currently insufficient to determine the role of this variant in disease. Therefore, it has been classified as a Variant of Uncertain Significance.

NM_001903.5(CTNNA1):c.710A>T (p.Tyr237Phe)

Gene: CTNNA1 (catenin alpha 1; plus strand). Cytogenetic location: 5q31.2.
Variant type: single nucleotide variant.
Coding change: c.710A>T on transcript NM_001903.5 (MANE Select); coding-DNA position 710, A replaced by T.
Protein change: p.Tyr237Phe; replaces tyrosine 237 with phenylalanine.
Molecular consequence: missense variant.
Genome position (GRCh38, 1-based): chr5:138,824,651, A>T. VCF-style: chr5-138824651-A-T. GRCh37 (hg19) VCF-style: chr5-138160340-A-T.
Other names: c.710A>T, p.Tyr237Phe (NM_001290307.3, NM_001323982.2, NM_001323983.1 and 3 more transcripts); c.401A>T, p.Tyr134Phe (NM_001290309.3); c.341A>T, p.Tyr114Phe (NM_001290310.3); short protein forms Y134F, Y114F, Y237F.
Identifiers: ClinVar variation 3638957 (VCV003638957.2).